The following is an entry in ClinVar:

ClinVar aggregate classification (germline): Uncertain significance (1 of 4 stars; one submission).

Conditions:
Retinitis pigmentosa 59 (RP59). Identifiers: Orphanet 791, MedGen C3151227, MONDO:0013468, OMIM 613861.

Allele frequency attached by ClinVar (database versions not stated): TOPMed below 0.00001.

Submission:

Labcorp Genetics (formerly Invitae), Labcorp
Classification: Uncertain significance for Retinitis pigmentosa 59. Last evaluated: 2025-05-27. Review status: criteria provided, single submitter. Criteria: Invitae Variant Classification Sherloc (09022015). Collection method: clinical testing. Allele origin: germline.
Comment: This sequence change replaces arginine, which is basic and polar, with tryptophan, which is neutral and slightly polar, at codon 205 of the DHDDS protein (p.Arg205Trp). This variant is not present in population databases (gnomAD no frequency). This variant has not been reported in the literature in individuals affected with DHDDS-related conditions. ClinVar contains an entry for this variant (Variation ID: 2025828). Invitae Evidence Modeling of protein sequence and biophysical properties (such as structural, functional, and spatial information, amino acid conservation, physicochemical variation, residue mobility, and thermodynamic stability) indicates that this missense variant is expected to disrupt DHDDS protein function with a positive predictive value of 80%. This variant disrupts the p.Arg205 amino acid residue in DHDDS. Other variant(s) that disrupt this residue have been determined to be pathogenic (PMID: 33798445, 34182312; internal data). This suggests that this residue is clinically significant, and that variants that disrupt this residue are likely to be disease-causing. In summary, the available evidence is currently insufficient to determine the role of this variant in disease. Therefore, it has been classified as a Variant of Uncertain Significance.

Literature cited by the submitters: PubMed 33798445; PubMed 34182312.

NM_205861.3(DHDDS):c.613C>T (p.Arg205Trp)

Gene: DHDDS (dehydrodolichyl diphosphate synthase subunit; plus strand). Cytogenetic location: 1p36.11.
Variant type: single nucleotide variant.
Coding change: c.613C>T on transcript NM_205861.3 (MANE Select); coding-DNA position 613, C replaced by T.
Protein change: p.Arg205Trp; replaces arginine 205 with tryptophan.
Molecular consequence: missense variant.
Genome position (GRCh38, 1-based): chr1:26,457,861, C>T. VCF-style: chr1-26457861-C-T. GRCh37 (hg19) VCF-style: chr1-26784352-C-T.
Other names: c.511C>T, p.Arg171Trp (NM_001243564.2); c.496C>T, p.Arg166Trp (NM_001243565.2); c.334C>T, p.Arg112Trp (NM_001319959.2); c.613C>T, p.Arg205Trp (NM_024887.4); short protein forms R166W, R112W, R171W, R205W.
Identifiers: ClinVar variation 2025828 (VCV002025828.4), dbSNP rs2075386089, ClinGen allele CA339144754.